The following is an entry in ClinVar:

ClinVar aggregate classification (germline): Uncertain significance (1 of 4 stars; one submission).

Conditions:
FREM2-related disorder. Also called: FREM2-related condition.

gnomAD v4.1: 3 of 1,614,194 alleles (0.00019%); highest among the groups gnomAD compares: Admixed American, 0.005%; no homozygotes.

Submission:

PreventionGenetics, part of Exact Sciences
Classification: Uncertain significance for FREM2-related condition. Last evaluated: 2025-06-23. Review status: criteria provided, single submitter. Criteria: ACMG Guidelines, 2015. Collection method: clinical testing. Allele origin: germline.
Comment: The FREM2 c.4741C>T variant is predicted to result in the amino acid substitution p.Leu1581Phe. To our knowledge, this variant has not been reported in the literature. This variant is reported in 0.0056% of alleles in individuals of Latino descent in gnomAD. At this time, the clinical significance of this variant is uncertain due to the absence of conclusive functional and genetic evidence.

NM_207361.6(FREM2):c.4741C>T (p.Leu1581Phe)

Gene: FREM2 (FRAS1 related extracellular matrix 2; plus strand). Cytogenetic location: 13q13.3.
Variant type: single nucleotide variant.
Coding change: c.4741C>T on transcript NM_207361.6 (MANE Select); coding-DNA position 4741, C replaced by T.
Protein change: p.Leu1581Phe; replaces leucine 1581 with phenylalanine.
Molecular consequence: missense variant.
Genome position (GRCh38, 1-based): chr13:38,692,085, C>T. VCF-style: chr13-38692085-C-T. GRCh37 (hg19) VCF-style: chr13-39266222-C-T.
Other names: short protein forms L1581F.
Identifiers: ClinVar variation 4986990 (VCV004986990.1).
Genomic context (GRCh38, chr13:38,692,085, plus strand): 5'-AGAGATACTCCTGACAAGCTCCTGAAATTCACTATCACCCAGGTGCCTATTCATGGCCAT[C>T]TCCTATTCAACAATACCAGACCTGTCATGGTTTTTACCAAGCAAGACTTGAATGAAAACT-3'
Protein context (NP_997244.4, residues 1571-1591): TITQVPIHGH[Leu1581Phe]LFNNTRPVMV